The following is an entry in ClinVar:

NM_016579.4(CD320):c.73C>T (p.Leu25Phe)

Gene: CD320 (CD320 molecule; minus strand). Cytogenetic location: 19p13.2.
Variant type: single nucleotide variant.
Coding change: c.73C>T on transcript NM_016579.4 (MANE Select); coding-DNA position 73, C replaced by T.
Protein change: p.Leu25Phe; replaces leucine 25 with phenylalanine.
Molecular consequence: missense variant.
Genome position (GRCh38, 1-based): chr19:8,308,218, G>A on the plus strand (C>T on the coding strand, the complement: CD320 is on the minus strand). VCF-style: chr19-8308218-G-A. GRCh37 (hg19) VCF-style: chr19-8373102-G-A.
Other names: c.73C>T, p.Leu25Phe (NM_001165895.2); short protein forms L25F.
Identifiers: ClinVar variation 3723153 (VCV003723153.2).

ClinVar aggregate classification (germline): Uncertain significance (1 of 4 stars; one submission).

Conditions:
Methylmalonic acidemia due to transcobalamin receptor defect (MATR). Also called: METHYLMALONIC ACIDEMIA, TCblR TYPE; METHYLMALONIC ACIDURIA, TRANSIENT, DUE TO TRANSCOBALAMIN RECEPTOR DEFECT. Identifiers: Orphanet 280183, MedGen C4749905, MONDO:0013341, OMIM 613646.

gnomAD v4.1: 2 of 1,570,002 alleles (0.00013%); highest among the groups gnomAD compares: East Asian, 0.0023%; no homozygotes.

Submission:

Labcorp Genetics (formerly Invitae), Labcorp
Classification: Uncertain significance for Methylmalonic acidemia due to transcobalamin receptor defect. Last evaluated: 2024-10-22. Review status: criteria provided, single submitter. Criteria: Invitae Variant Classification Sherloc (09022015). Collection method: clinical testing. Allele origin: germline.
Comment: This sequence change replaces leucine, which is neutral and non-polar, with phenylalanine, which is neutral and non-polar, at codon 25 of the CD320 protein (p.Leu25Phe). This variant is not present in population databases (gnomAD no frequency). This variant has not been reported in the literature in individuals affected with CD320-related conditions. An algorithm developed to predict the effect of missense changes on protein structure and function outputs the following: PolyPhen-2: "Possibly Damaging". The phenylalanine amino acid residue is found in multiple mammalian species, which suggests that this missense change does not adversely affect protein function. In summary, the available evidence is currently insufficient to determine the role of this variant in disease. Therefore, it has been classified as a Variant of Uncertain Significance.